The following is an entry in ClinVar:

ClinVar aggregate classification (germline): Likely benign (0 of 4 stars; one submission).

Conditions:
PIEZO2-related disorder. Also called: PIEZO2-related disorders; PIEZO2-related condition.

Allele frequency attached by ClinVar (database versions not stated): gnomAD 0.00002; gnomAD exomes 0.00002; TOPMed 0.00003.
gnomAD v4.1: 26 of 1,537,084 alleles (0.0017%); highest among the groups gnomAD compares: Admixed American, 0.0098%; no homozygotes.

Submission:

PreventionGenetics, part of Exact Sciences
Classification: Likely benign for PIEZO2-related condition. Last evaluated: 2019-10-28. Review status: no assertion criteria provided. Collection method: clinical testing. Allele origin: germline.
Comment: This variant is classified as likely benign based on ACMG/AMP sequence variant interpretation guidelines (Richards et al. 2015 PMID: 25741868, with internal and published modifications).

NM_001378183.1(PIEZO2):c.6540C>T (p.Ser2180=)

Gene: PIEZO2 (piezo type mechanosensitive ion channel component 2; minus strand). Cytogenetic location: 18p11.22.
Variant type: single nucleotide variant.
Coding change: c.6540C>T on transcript NM_001378183.1 (MANE Select); coding-DNA position 6540, C replaced by T.
Protein change: p.Ser2180=; no amino-acid change (serine 2180 retained).
Molecular consequence: synonymous variant.
Genome position (GRCh38, 1-based): chr18:10,699,079, G>A on the plus strand (C>T on the coding strand, the complement: PIEZO2 is on the minus strand). VCF-style: chr18-10699079-G-A. GRCh37 (hg19) VCF-style: chr18-10699077-G-A.
Other names: c.6276C>T, p.Ser2092= (NM_001410871.1); c.6201C>T, p.Ser2067= (NM_022068.4).
Identifiers: ClinVar variation 3053016 (VCV003053016.2), dbSNP rs1386197549, ClinGen allele CA502863787.